The following is an entry in ClinVar:

NM_004145.4(MYO9B):c.6423G>A (p.Ser2141=)

Gene: MYO9B (myosin IXB; plus strand). Cytogenetic location: 19p13.11.
Variant type: single nucleotide variant.
Coding change: c.6423G>A on transcript NM_004145.4 (MANE Select); coding-DNA position 6423, G replaced by A.
Protein change: p.Ser2141=; no amino-acid change (serine 2141 retained).
Molecular consequence: synonymous variant. On other transcripts: 3 prime UTR variant (1).
Genome position (GRCh38, 1-based): chr19:17,212,259, G>A. VCF-style: chr19-17212259-G-A. GRCh37 (hg19) VCF-style: chr19-17323068-G-A.
Other names: c.*366G>A (NM_001130065.2).
Identifiers: ClinVar variation 2649535 (VCV002649535.24), dbSNP rs559048512, ClinGen allele CA9288916.

ClinVar aggregate classification (germline): Likely benign (1 of 4 stars; one submission).

Allele frequency attached by ClinVar (database versions not stated): TOPMed 0.00007; gnomAD 0.00020; gnomAD exomes 0.00039; 1000 Genomes Project 0.00140; 1000 Genomes Project 30x 0.00156; ExAC 0.00242.
gnomAD v4.1: 579 of 1,573,578 alleles (0.037%); highest among the groups gnomAD compares: South Asian, 0.55%; 7 homozygotes.

Submission:

CeGaT Center for Human Genetics Tuebingen
Classification: Likely benign. Last evaluated: 2023-02-01. Review status: criteria provided, single submitter. Criteria: CeGaT Center For Human Genetics Tuebingen Variant Classification Criteria Version 2. Collection method: clinical testing. Allele origin: germline. Affected: yes. Observed: 1 variant allele.
Comment: MYO9B: BP4, BP7, BS2